The following is an entry in ClinVar:

NM_014000.3(VCL):c.2761G>A (p.Ala921Thr)

Gene: VCL (vinculin; plus strand). Cytogenetic location: 10q22.2.
Variant type: single nucleotide variant.
Coding change: c.2761G>A on transcript NM_014000.3 (MANE Select); coding-DNA position 2761, G replaced by A.
Protein change: p.Ala921Thr; replaces alanine 921 with threonine.
Molecular consequence: missense variant. On other transcripts: intron variant (1).
Genome position (GRCh38, 1-based): chr10:74,111,924, G>A. VCF-style: chr10-74111924-G-A. GRCh37 (hg19) VCF-style: chr10-75871682-G-A.
Other names: c.2746-2260G>A (NM_003373.4); short protein forms A921T.
Identifiers: ClinVar variation 843591 (VCV000843591.6), dbSNP rs764278411, ClinGen allele CA5563304.
Genomic context (GRCh38, chr10:74,111,924, plus strand): 5'-TACTAACACTATCCCTATTTCTCATCCTTCCCGCCATCGACAAAGCCGGGCATCCCAGCC[G>A]CTGAGGTGGGTATAGGTGTTGTAGCTGAGGCAGATGCGGCCGATGCTGCTGGCTTCCCTG-3'
Protein context (NP_054706.1, residues 911-931): KWSSKPGIPA[Ala921Thr]EVGIGVVAEA

ClinVar aggregate classification (germline): Uncertain significance (1 of 4 stars; one submission).

Conditions:
Dilated cardiomyopathy 1W (CMD1W). Identifiers: Orphanet 154, MedGen C1969639, MONDO:0012667, OMIM 611407.

Allele frequency attached by ClinVar (database versions not stated): TOPMed below 0.00001; ExAC 0.00001; gnomAD 0.00001; gnomAD exomes 0.00002 and 0.00003.
gnomAD v4.1: 43 of 1,614,074 alleles (0.0027%); highest among the groups gnomAD compares: South Asian, 0.0099%; 1 homozygote.

Submission:

Labcorp Genetics (formerly Invitae), Labcorp
Classification: Uncertain significance for Dilated cardiomyopathy 1W. Last evaluated: 2025-11-12. Review status: criteria provided, single submitter. Criteria: Invitae Variant Classification Sherloc (09022015). Collection method: clinical testing. Allele origin: germline.
Comment: This sequence change replaces alanine, which is neutral and non-polar, with threonine, which is neutral and polar, at codon 921 of the VCL protein (p.Ala921Thr). This variant is present in population databases (rs764278411, gnomAD 0.006%). This variant has not been reported in the literature in individuals affected with VCL-related conditions. ClinVar contains an entry for this variant (Variation ID: 843591). An algorithm developed to predict the effect of missense changes on protein structure and function (PolyPhen-2) suggests that this variant is likely to be tolerated. In summary, the available evidence is currently insufficient to determine the role of this variant in disease. Therefore, it has been classified as a Variant of Uncertain Significance.